The following is an entry in ClinVar:

ClinVar aggregate classification (germline): Pathogenic/Likely pathogenic. Review status: criteria provided, multiple submitters, no conflicts (2 of 4 stars). 2 submissions from 2 submitters: Pathogenic (1); Likely pathogenic (1). Last evaluated 2023-02-16.

Conditions:
Metachromatic leukodystrophy (MLD). Also called: Cerebral sclerosis diffuse metachromatic form; ARSA DEFICIENCY; CEREBROSIDE SULFATASE DEFICIENCY; Arylsulfatase A Deficiency; METACHROMATIC LEUKOENCEPHALOPATHY; SULFATIDE LIPIDOSIS. Identifiers: Orphanet 512, MedGen C0023522, MONDO:0018868, OMIM 250100.

Submissions (2):

Labcorp Genetics (formerly Invitae), Labcorp
Classification: Pathogenic for Metachromatic leukodystrophy. Last evaluated: 2023-02-16. Review status: criteria provided, single submitter. Criteria: Invitae Variant Classification Sherloc (09022015). Collection method: clinical testing. Allele origin: germline.
Comment: This sequence change creates a premature translational stop signal (p.Glu242*) in the ARSA gene. It is expected to result in an absent or disrupted protein product. Loss-of-function variants in ARSA are known to be pathogenic (PMID: 8962139, 10477432). This variant is not present in population databases (gnomAD no frequency). This variant has not been reported in the literature in individuals affected with ARSA-related conditions. ClinVar contains an entry for this variant (Variation ID: 1423789). For these reasons, this variant has been classified as Pathogenic.

Myriad Genetics, Inc.
Classification: Likely pathogenic for Metachromatic leukodystrophy. Last evaluated: 2022-03-15. Review status: criteria provided, single submitter. Criteria: Myriad Women's Health Autosomal Recessive and X-Linked Classification Criteria (2021). Collection method: clinical testing. Allele origin: unknown.
Comment: NM_000487.5(ARSA):c.724G>T(E242*) is expected to be pathogenic in the context of metachromatic leukodystrophy. This variant is predicted to lead to an abnormal or absent protein product due to the creation of a premature termination codon in ARSA, a gene where loss-of-function variants are known to be pathogenic. Please note: this variant was assessed in the context of healthy population screening.

Literature cited by the submitters: PubMed 8962139 (cited by Labcorp Genetics (formerly Invitae), Labcorp); PubMed 10477432 (cited by Labcorp Genetics (formerly Invitae), Labcorp).

NM_000487.6(ARSA):c.724G>T (p.Glu242Ter)

Gene: ARSA (arylsulfatase A; minus strand). Cytogenetic location: 22q13.33.
Variant type: single nucleotide variant.
Coding change: c.724G>T on transcript NM_000487.6 (MANE Select); coding-DNA position 724, G replaced by T.
Protein change: p.Glu242Ter; replaces glutamic acid 242 with a stop codon.
Molecular consequence: nonsense.
Genome position (GRCh38, 1-based): chr22:50,626,721, C>A on the plus strand (G>T on the coding strand, the complement: ARSA is on the minus strand). VCF-style: chr22-50626721-C-A. GRCh37 (hg19) VCF-style: chr22-51065149-C-A.
Other names: c.724G>T, p.Glu242Ter (NM_001085425.3, NM_001085426.3, NM_001085427.3); c.466G>T, p.Glu156Ter (NM_001085428.3, NM_001362782.2); short protein forms E242*, E156*.
Identifiers: ClinVar variation 1423789 (VCV001423789.8), dbSNP rs757891932, ClinGen allele CA412176543.
Genomic context (GRCh38, chr22:50,626,721, plus strand): 5'-TCCCCACAGCTGCATCCAGCTCCATCAGGGAGTCCCCAAATGGCCCGCGGCCTGAACGCT[C>A]TGCAAAGCTCTGCCCACTGAACTGAGGGTAGTGGGTGTGCTGGGGGCAAAGACTGGAGTT-3'